The following is an entry in ClinVar:

NM_003721.4(RFXANK):c.564+6G>A

Gene: RFXANK (regulatory factor X associated ankyrin containing protein; plus strand). Cytogenetic location: 19p13.11.
Variant type: single nucleotide variant.
Coding change: c.564+6G>A on transcript NM_003721.4 (MANE Select); 6 bases into the intron after coding-DNA position 564, G replaced by A.
Molecular consequence: intron variant.
Genome position (GRCh38, 1-based): chr19:19,198,238, G>A. VCF-style: chr19-19198238-G-A. GRCh37 (hg19) VCF-style: chr19-19309047-G-A.
Other names: c.498+6G>A (NM_001278727.2, NM_001370234.1); c.495+6G>A (NM_134440.3, NM_001278728.2); c.561+6G>A (NM_001370235.1, NM_001370237.1, NM_001370236.1); c.564+6G>A (NM_001370238.1, NM_001370233.1).
Identifiers: ClinVar variation 1351411 (VCV001351411.6), dbSNP rs928203836, ClinGen allele CA2573156234.
Genomic context (GRCh38, chr19:19,198,238, plus strand): 5'-AGACATTGTGGGGCTGCTGCTGGAGCGTGACGTGGACATCAACATCTATGATTGGGTGAG[G>A]GACTGCCCATCCCCAGGACCTCTCAGCCTCCTGGCCTTCATTCCTGCCTCAAATGTTCAC-3'

ClinVar aggregate classification (germline): Uncertain significance (1 of 4 stars; one submission).

Conditions:
MHC class II deficiency. Also called: Bare lymphocyte syndrome 2; BLS, TYPE II. Identifiers: Orphanet 572, MedGen C5447452, MONDO:0008855.

Submission:

Labcorp Genetics (formerly Invitae), Labcorp
Classification: Uncertain significance for MHC class II deficiency. Last evaluated: 2022-08-23. Review status: criteria provided, single submitter. Criteria: Invitae Variant Classification Sherloc (09022015). Collection method: clinical testing. Allele origin: germline.
Comment: In summary, the available evidence is currently insufficient to determine the role of this variant in disease. Therefore, it has been classified as a Variant of Uncertain Significance. Variants that disrupt the consensus splice site are a relatively common cause of aberrant splicing (PMID: 17576681, 9536098). Algorithms developed to predict the effect of sequence changes on RNA splicing suggest that this variant is not likely to affect RNA splicing. ClinVar contains an entry for this variant (Variation ID: 1351411). This variant has not been reported in the literature in individuals affected with RFXANK-related conditions. This variant is not present in population databases (gnomAD no frequency). This sequence change falls in intron 7 of the RFXANK gene. It does not directly change the encoded amino acid sequence of the RFXANK protein. It affects a nucleotide within the consensus splice site.

Literature cited by the submitters: PubMed 17576681; PubMed 9536098.